The following is an entry in ClinVar:

NM_006206.6(PDGFRA):c.1783C>T (p.Leu595Phe)

Gene: PDGFRA (platelet derived growth factor receptor alpha; plus strand). Cytogenetic location: 4q12.
Variant type: single nucleotide variant.
Coding change: c.1783C>T on transcript NM_006206.6 (MANE Select); coding-DNA position 1783, C replaced by T.
Protein change: p.Leu595Phe; replaces leucine 595 with phenylalanine.
Molecular consequence: missense variant.
Genome position (GRCh38, 1-based): chr4:54,274,970, C>T. VCF-style: chr4-54274970-C-T. GRCh37 (hg19) VCF-style: chr4-55141137-C-T.
Other names: c.1783C>T, p.Leu595Phe (NM_001347827.2, NM_001347829.2); c.1858C>T, p.Leu620Phe (NM_001347828.2); c.1822C>T, p.Leu608Phe (NM_001347830.2); short protein forms L608F, L620F, L595F.
Identifiers: ClinVar variation 1388480 (VCV001388480.6), dbSNP rs2110300859, ClinGen allele CA356893307.
Genomic context (GRCh38, chr4:54,274,970, plus strand): 5'-GTGGACCCGATGCAGCTGCCTTATGACTCAAGATGGGAGTTTCCAAGAGATGGACTAGTG[C>T]TTGGTAAGTTCCATGGGGTAACCTCCCAAGACTCCCTTTTCCCTTGCACACAACTTTACA-3'
Protein context (NP_006197.1, residues 585-605): RWEFPRDGLV[Leu595Phe]GRVLGSGAFG

ClinVar aggregate classification (germline): Uncertain significance (1 of 4 stars; one submission).

Conditions:
Gastrointestinal stromal tumor. Also called: Gastrointestinal stroma tumor; Gastrointestinal stromal tumor, somatic. Identifiers: Orphanet 44890, MedGen C0238198, MeSH D046152, MONDO:0011719, OMIM 606764, HP:0100723.

Submission:

Labcorp Genetics (formerly Invitae), Labcorp
Classification: Uncertain significance for Gastrointestinal stromal tumor. Last evaluated: 2021-10-30. Review status: criteria provided, single submitter. Criteria: Invitae Variant Classification Sherloc (09022015). Collection method: clinical testing. Allele origin: germline.
Comment: Algorithms developed to predict the effect of missense changes on protein structure and function are either unavailable or do not agree on the potential impact of this missense change (SIFT: "Deleterious"; PolyPhen-2: "Probably Damaging"; Align-GVGD: "Class C15"). This variant has not been reported in the literature in individuals affected with PDGFRA-related conditions. This variant is not present in population databases (gnomAD no frequency). This sequence change replaces leucine, which is neutral and non-polar, with phenylalanine, which is neutral and non-polar, at codon 595 of the PDGFRA protein (p.Leu595Phe). In summary, the available evidence is currently insufficient to determine the role of this variant in disease. Therefore, it has been classified as a Variant of Uncertain Significance.